The following is an entry in ClinVar:

ClinVar aggregate classification (germline): Pathogenic (1 of 4 stars; one submission).

Submission:

Labcorp Genetics (formerly Invitae), Labcorp
Classification: Pathogenic. Last evaluated: 2022-11-23. Review status: criteria provided, single submitter. Criteria: Invitae Variant Classification Sherloc (09022015). Collection method: clinical testing. Allele origin: germline.
Comment: For these reasons, this variant has been classified as Pathogenic. This variant disrupts a region of the PHEX protein in which other variant(s) (p.Arg747*) have been determined to be pathogenic (PMID: 9199930, 9768674). This suggests that this is a clinically significant region of the protein, and that variants that disrupt it are likely to be disease-causing. This premature translational stop signal has been observed in individual(s) with hypophosphatemic rickets (Invitae). This variant is not present in population databases (gnomAD no frequency). This sequence change creates a premature translational stop signal (p.Phe684Alafs*34) in the PHEX gene. While this is not anticipated to result in nonsense mediated decay, it is expected to disrupt the last 66 amino acid(s) of the PHEX protein.

Literature cited by the submitters: PubMed 9199930; PubMed 9768674.

NM_000444.6(PHEX):c.2045_2048dup (p.Phe684fs)

Genes: PHEX (phosphate regulating endopeptidase X-linked; plus strand), PTCHD1-AS (PTCHD1 and PHEX antisense RNA; minus strand). Cytogenetic location: Xp22.11.
Variant type: Duplication.
Coding change: c.2045_2048dup on transcript NM_000444.6 (MANE Select); coding-DNA positions 2045 to 2048, 4 bases duplicated (AGCT; older notation c.2045_2048dupAGCT).
Protein change: p.Phe684fs; shifts the reading frame from phenylalanine 684.
Molecular consequence: frameshift variant. On other transcripts: non-coding transcript variant (1).
Genome position (GRCh38, 1-based): chrX:22,227,586-22,227,589, AGCT duplicated. VCF-style (leftmost placement, unchanged base first): chrX-22227585-C-CAGCT. GRCh37 (hg19) VCF-style: chrX-22245702-C-CAGCT.
Other names: c.2045_2048dup, p.Phe684fs (NM_001282754.2); short protein forms F684fs.
Identifiers: ClinVar variation 2815950 (VCV002815950.3), dbSNP rs2518676906, ClinGen allele CA2739268121.